The following is an entry in ClinVar:

ClinVar aggregate classification (germline): Conflicting classifications of pathogenicity. Review status: criteria provided, conflicting classifications (1 of 4 stars). 7 submissions from 7 submitters: Likely pathogenic (1); Uncertain significance (4); Likely benign (1). 1 of the submissions does not count toward it. Last evaluated 2026-08-11.

Conditions:
Nemaline myopathy 2 (NEM2). Also called: Nemaline myopathy 2, autosomal recessive. Identifiers: MedGen C1850569, MONDO:0009725, OMIM 256030.
Arthrogryposis multiplex congenita 6. Identifiers: MedGen C5543431, MONDO:0030281, OMIM 619334.

Submissions (7):

GeneDx
Classification: Likely pathogenic. Last evaluated: 2026-08-11. Review status: criteria provided, single submitter. Criteria: GeneDx Variant Classification Process June 2021. Collection method: clinical testing. Allele origin: germline.
Comment: In-frame deletion of 2 amino acids in a non-repeat region; In silico analysis supports a deleterious effect on protein structure/function; Has not been previously published as pathogenic or benign to our knowledge

Revvity Omics, Revvity
Classification: Uncertain significance. Last evaluated: 2025-03-10. Review status: criteria provided, single submitter. Criteria: ACMG Guidelines, 2015. Collection method: clinical testing. Allele origin: germline.

Blueprint Genetics
Classification: Uncertain significance. Last evaluated: 2024-10-23. Review status: criteria provided, single submitter. Criteria: ACMG Guidelines, 2015. Collection method: clinical testing. Allele origin: germline.

CeGaT Center for Human Genetics Tuebingen
Classification: Likely benign. Last evaluated: 2023-08-01. Review status: criteria provided, single submitter. Criteria: CeGaT Center For Human Genetics Tuebingen Variant Classification Criteria Version 2. Collection method: clinical testing. Allele origin: germline. Affected: yes. Observed: 1 variant allele.
Comment: NEB: BP3

Labcorp Genetics (formerly Invitae), Labcorp
Classification: Uncertain significance for Nemaline myopathy 2. Last evaluated: 2022-11-01. Review status: criteria provided, single submitter. Criteria: Invitae Variant Classification Sherloc (09022015). Collection method: clinical testing. Allele origin: germline.
Comment: This variant, c.5698_5703del, results in the deletion of 2 amino acid(s) of the NEB protein (p.Tyr1900_Asn1901del), but otherwise preserves the integrity of the reading frame. This variant is present in population databases (rs775531807, gnomAD 0.04%). This variant has not been reported in the literature in individuals affected with NEB-related conditions. ClinVar contains an entry for this variant (Variation ID: 449072). Experimental studies and prediction algorithms are not available or were not evaluated, and the functional significance of this variant is currently unknown. In summary, the available evidence is currently insufficient to determine the role of this variant in disease. Therefore, it has been classified as a Variant of Uncertain Significance.

Fulgent Genetics
Classification: Uncertain significance for Nemaline myopathy 2; Arthrogryposis multiplex congenita 6. Last evaluated: 2022-02-18. Review status: criteria provided, single submitter. Criteria: ACMG Guidelines, 2015. Collection method: clinical testing. Allele origin: unknown.

Natera, Inc.
Classification: Uncertain significance for Nemaline myopathy type 2. Last evaluated: 2020-09-16. Review status: no assertion criteria provided. Collection method: clinical testing. Allele origin: germline. Not counted in ClinVar's aggregate classification.

NM_001164508.2(NEB):c.5698_5703del (p.Tyr1900_Asn1901del)

Gene: NEB (nebulin; minus strand). Cytogenetic location: 2q23.3.
Variant type: Deletion.
Coding change: c.5698_5703del on transcript NM_001164508.2 (MANE Select); coding-DNA positions 5698 to 5703, 6 bases deleted (TACAAC; older notation c.5698_5703delTACAAC).
Protein change: p.Tyr1900_Asn1901del.
Molecular consequence: inframe deletion.
Genome position (GRCh38, 1-based): chr2:151,663,608-151,663,613, GTTGTA deleted on the plus strand (TACAAC on the coding strand, the reverse complement: NEB is on the minus strand); deleting any 6 consecutive bases within chr2:151,663,608-151,663,614 gives the same sequence; the c. name uses the placement nearest the transcript's 3' end. VCF-style (leftmost placement, unchanged base first): chr2-151663607-TGTTGTA-T. GRCh37 (hg19) VCF-style: chr2-152520121-TGTTGTA-T.
Other names: c.5698_5703del, p.Tyr1900_Asn1901del (NM_001164507.2, NM_001271208.2, NM_004543.5); c.5698_5703delTACAAC (NM_001271208.2).
Identifiers: ClinVar variation 449072 (VCV000449072.38), dbSNP rs775531807, ClinGen allele CA1910300.
Genomic context (GRCh38, chr2:151,663,607, plus strand): 5'-CATCACTTTGAATCTGCATCATATTTTTGGCCAATTCAAAGCTCATGGCATCAGGAAGCA[TGTTGTA>T]GGTATGGATCACGTTCCTGTAGTTGGCATTGGTGGCCACTTCCTGAGACTTCTTGGCTGC-3'